The following is an entry in ClinVar:

NM_153603.4(COG7):c.2099T>C (p.Ile700Thr)

Gene: COG7 (component of oligomeric golgi complex 7; minus strand). Cytogenetic location: 16p12.2.
Variant type: single nucleotide variant.
Coding change: c.2099T>C on transcript NM_153603.4 (MANE Select); coding-DNA position 2099, T replaced by C.
Protein change: p.Ile700Thr; replaces isoleucine 700 with threonine.
Molecular consequence: missense variant.
Genome position (GRCh38, 1-based): chr16:23,392,427, A>G on the plus strand (T>C on the coding strand, the complement: COG7 is on the minus strand). VCF-style: chr16-23392427-A-G. GRCh37 (hg19) VCF-style: chr16-23403748-A-G.
Other names: short protein forms I700T.
Identifiers: ClinVar variation 2143396 (VCV002143396.4), dbSNP rs1963214487, ClinGen allele CA395116162.

ClinVar aggregate classification (germline): Uncertain significance (1 of 4 stars; one submission).

Conditions:
COG7 congenital disorder of glycosylation (CDG2E). Also called: CONGENITAL DISORDER OF GLYCOSYLATION, TYPE IIe; CDG IIe. Identifiers: Orphanet 79333, MedGen C2931010, MONDO:0012118, OMIM 608779.

Submission:

Labcorp Genetics (formerly Invitae), Labcorp
Classification: Uncertain significance for COG7 congenital disorder of glycosylation. Last evaluated: 2022-03-23. Review status: criteria provided, single submitter. Criteria: Invitae Variant Classification Sherloc (09022015). Collection method: clinical testing. Allele origin: germline.
Comment: This sequence change replaces isoleucine, which is neutral and non-polar, with threonine, which is neutral and polar, at codon 700 of the COG7 protein (p.Ile700Thr). This variant is not present in population databases (gnomAD no frequency). This variant has not been reported in the literature in individuals affected with COG7-related conditions. Algorithms developed to predict the effect of missense changes on protein structure and function are either unavailable or do not agree on the potential impact of this missense change (SIFT: "Deleterious"; PolyPhen-2: "Probably Damaging"; Align-GVGD: "Class C0"). In summary, the available evidence is currently insufficient to determine the role of this variant in disease. Therefore, it has been classified as a Variant of Uncertain Significance.